The following is an entry in ClinVar:

ClinVar aggregate classification (germline): Likely pathogenic. Review status: reviewed by expert panel (3 of 4 stars). 2 submissions from 2 submitters: Likely pathogenic (1). 1 of the submissions does not count toward it. Last evaluated 2026-10-02.

Conditions:
Hereditary thrombocytopenia and hematological cancer predisposition syndrome associated with RUNX1. Also called: PLATELET DISORDER, ASPIRIN-LIKE; Familial thrombocytopenia with propensity to acute myelogenous leukemia; RUNX1 Familial Platelet Disorder with Associated Myeloid Malignancies; Familial Platelet Disorder with Propensity to Acute Myelogenous Leukemia. Identifiers: Orphanet 71290, MedGen C1832388, MeSH C563324, MONDO:0100083, OMIM 601399.

Submissions (2):

ClinGen Myeloid Malignancy Variant Curation Expert Panel
Classification: Likely pathogenic for Hereditary thrombocytopenia and hematological cancer predisposition syndrome associated with RUNX1. Last evaluated: 2026-10-02. Review status: reviewed by expert panel. Criteria: ClinGen MyeloMalig ACMG Specifications V3.1. Collection method: curation. Allele origin: germline. Inheritance: Autosomal dominant inheritance.
Comment: NM_001754.5(RUNX1):c.280A>C (p.Ser94Arg) is a missense variant which affects one of the amino acid residues (Ser94) within the RHD (amino acids 89-204; PM1_Supporting). This variant has a REVEL score ≥ 0.88 (0.98) (PP3) and is completely absent from all population databases with at least 20x coverage for RUNX1 (PM2_Supporting). This variant has been reported in two probands meeting at least one of the RUNX1-phenotypic criteria (PS4_moderate; PMID: 39822584). A transactivation assay demonstrated reduced transactivation (<20% compared to WT) and data from a secondary beta-heterodimerization assay demonstrated loss of beta-heterodimerization (PS3; PMID: 23817177). In summary, this variant meets criteria to be classified as likely pathogenic. ACMG/AMP criteria applied, as specified by the Myeloid Malignancy Variant Curation Expert Panel for RUNX1: PM1_Supporting, PP3, PM2_Supporting, PS4_Moderate, PS3.

GeneDx
Classification: Uncertain significance. Last evaluated: 2016-10-06. Review status: criteria provided, single submitter. Criteria: GeneDx Variant Classification (06012015). Collection method: clinical testing. Allele origin: germline. Affected: yes. Not counted in ClinVar's aggregate classification.
Comment: The S94R variant in the RUNX1 gene has not been reported previously as a pathogenic variant, nor as a benign variant, to our knowledge. The S94R variant was not observed in approximately 6500 individuals of European and African American ancestry in the NHLBI Exome Sequencing Project, indicating it is not a common benign variant in these populations. The S94R variant is a semi-conservative amino acid substitution, which may impact secondary protein structure as these residues differ in some properties. This substitution occurs within the Runt domain, at a position that is conserved across species. In silico analysis predicts this variant is probably damaging to the protein structure/function. We interpret S94R as a variant of uncertain significance.

NM_001754.5(RUNX1):c.280A>C (p.Ser94Arg)

Gene: RUNX1 (RUNX family transcription factor 1; minus strand). Cytogenetic location: 21q22.12.
Variant type: single nucleotide variant.
Coding change: c.280A>C on transcript NM_001754.5 (MANE Select); coding-DNA position 280, A replaced by C.
Protein change: p.Ser94Arg; replaces serine 94 with arginine.
Molecular consequence: missense variant.
Genome position (GRCh38, 1-based): chr21:34,886,914, T>G on the plus strand (A>C on the coding strand, the complement: RUNX1 is on the minus strand). VCF-style: chr21-34886914-T-G. GRCh37 (hg19) VCF-style: chr21-36259211-T-G.
Other names: NM_001754.4(RUNX1):c.280A>C; p.Ser94Arg; NM_001754.5(RUNX1):c.280A>C; c.199A>C, p.Ser67Arg (NM_001001890.3, NM_001122607.2); short protein forms S94R, S67R.
Identifiers: ClinVar variation 389962 (VCV000389962.5), dbSNP rs1057523598, ClinGen allele CA16608536.